The following is an entry in ClinVar:

NM_001543.5(NDST1):c.2208C>T (p.Ala736=)

Gene: NDST1 (N-deacetylase and N-sulfotransferase 1; plus strand). Cytogenetic location: 5q33.1.
Variant type: single nucleotide variant.
Coding change: c.2208C>T on transcript NM_001543.5 (MANE Select); coding-DNA position 2208, C replaced by T.
Protein change: p.Ala736=; no amino-acid change (alanine 736 retained).
Molecular consequence: synonymous variant. On other transcripts: intron variant (1).
Genome position (GRCh38, 1-based): chr5:150,548,280, C>T. VCF-style: chr5-150548280-C-T. GRCh37 (hg19) VCF-style: chr5-149927842-C-T.
Other names: c.2146-1398C>T (NM_001301063.2).
Identifiers: ClinVar variation 4533654 (VCV004533654.6).

ClinVar aggregate classification (germline): Likely benign (1 of 4 stars; one submission).

gnomAD v4.1: 159 of 1,614,166 alleles (0.0099%); highest among the groups gnomAD compares: Non-Finnish European, 0.013%; no homozygotes.

Submission:

CeGaT Center for Human Genetics Tuebingen
Classification: Likely benign. Last evaluated: 2025-11-01. Review status: criteria provided, single submitter. Criteria: CeGaT Center For Human Genetics Tuebingen Variant Classification Criteria Version 2. Collection method: clinical testing. Allele origin: germline. Affected: yes. Observed: 1 variant allele.
Comment: NDST1: BP4, BP7